The following is an entry in ClinVar:

ClinVar aggregate classification (germline): Uncertain significance (1 of 4 stars; one submission).

Conditions:
RYR1-related disorder. Also called: RYR1-related condition; RYR1-related disorders. Identifiers: MedGen CN239331.

Allele frequency attached by ClinVar (database versions not stated): gnomAD exomes below 0.00001.
gnomAD v4.1: 1 of 1,614,176 alleles (0.000062%); highest among the groups gnomAD compares: Admixed American, 0.0017%; no homozygotes.

Submission:

Labcorp Genetics (formerly Invitae), Labcorp
Classification: Uncertain significance for RYR1-related disorder. Last evaluated: 2022-10-17. Review status: criteria provided, single submitter. Criteria: Invitae Variant Classification Sherloc (09022015). Collection method: clinical testing. Allele origin: germline.
Comment: In summary, the available evidence is currently insufficient to determine the role of this variant in disease. Therefore, it has been classified as a Variant of Uncertain Significance. Advanced modeling of protein sequence and biophysical properties (such as structural, functional, and spatial information, amino acid conservation, physicochemical variation, residue mobility, and thermodynamic stability) performed at Invitae indicates that this missense variant is not expected to disrupt RYR1 protein function. This variant has not been reported in the literature in individuals affected with RYR1-related conditions. This variant is present in population databases (no rsID available, gnomAD 0.003%). This sequence change replaces asparagine, which is neutral and polar, with aspartic acid, which is acidic and polar, at codon 1064 of the RYR1 protein (p.Asn1064Asp).

NM_000540.3(RYR1):c.3190A>G (p.Asn1064Asp)

Gene: RYR1 (ryanodine receptor 1; plus strand). Cytogenetic location: 19q13.2.
Variant type: single nucleotide variant.
Coding change: c.3190A>G on transcript NM_000540.3 (MANE Select); coding-DNA position 3190, A replaced by G.
Protein change: p.Asn1064Asp; replaces asparagine 1064 with aspartic acid.
Molecular consequence: missense variant.
Genome position (GRCh38, 1-based): chr19:38,467,621, A>G. VCF-style: chr19-38467621-A-G. GRCh37 (hg19) VCF-style: chr19-38958261-A-G.
Other names: c.3190A>G, p.Asn1064Asp (NM_001042723.2); short protein forms N1064D.
Identifiers: ClinVar variation 1991881 (VCV001991881.4), dbSNP rs1374278669, ClinGen allele CA405636844.
Genomic context (GRCh38, chr19:38,467,621, plus strand): 5'-GATCCACATCTTCCCTAGCCTCTCTGACTCTGCCTGGCCTCATTTATAGGTCAGGTGGAG[A>G]ACCAGTCTCGTTGTGACCGGGTGCGCATCTTCCGGGCAGAGAAATCCTATACAGTGCAGA-3'
Protein context (NP_000531.2, residues 1054-1074): PPDQEPSQVE[Asn1064Asp]QSRCDRVRIF